The following is an entry in ClinVar:

NM_000135.4(FANCA):c.1655A>G (p.Glu552Gly)

Gene: FANCA (FA complementation group A; minus strand). Cytogenetic location: 16q24.3.
Variant type: single nucleotide variant.
Coding change: c.1655A>G on transcript NM_000135.4 (MANE Select); coding-DNA position 1655, A replaced by G.
Protein change: p.Glu552Gly; replaces glutamic acid 552 with glycine.
Molecular consequence: missense variant.
Genome position (GRCh38, 1-based): chr16:89,779,929, T>C on the plus strand (A>G on the coding strand, the complement: FANCA is on the minus strand). VCF-style: chr16-89779929-T-C. GRCh37 (hg19) VCF-style: chr16-89846337-T-C.
Other names: c.1655A>G, p.Glu552Gly (NM_001286167.3); short protein forms E552G.
Identifiers: ClinVar variation 4254335 (VCV004254335.1).
Genomic context (GRCh38, chr16:89,779,929, plus strand): 5'-CTGGCCTCCATGACGGTGACTGGGATGTTCCCCGTATGCTCAAACACCATGATGGCCTTT[T>C]CAACATCCTGAAGAGCTTGGCTGTGGGGCTGGTTCCCATACAGGGAGGAAAGGAAAAAGA-3'
Protein context (NP_000126.2, residues 542-562): EPHSQALQDV[Glu552Gly]KAIMVFEHTG

ClinVar aggregate classification (germline): Uncertain significance (1 of 4 stars; one submission).

Conditions:
Inborn genetic diseases. Identifiers: MedGen C0950123, MeSH D030342.

Submission:

Ambry Genetics
Classification: Uncertain significance for Inborn genetic diseases. Last evaluated: 2025-09-06. Review status: criteria provided, single submitter. Criteria: Ambry Variant Classification Scheme 2023. Collection method: clinical testing. Allele origin: germline.
Comment: The p.E552G variant (also known as c.1655A>G), located in coding exon 18 of the FANCA gene, results from an A to G substitution at nucleotide position 1655. The glutamic acid at codon 552 is replaced by glycine, an amino acid with similar properties. This amino acid position is conserved. In addition, the in silico prediction for this alteration is inconclusive. Based on the available evidence, the clinical significance of this variant remains unclear.